The following is an entry in ClinVar:

NM_194255.4(SLC19A1):c.*497del

Gene: SLC19A1 (solute carrier family 19 member 1; minus strand). Cytogenetic location: 21q22.3.
Variant type: Deletion.
Coding change: c.*497del on transcript NM_194255.4 (MANE Select); 497 bases downstream of the stop codon, one base deleted (C; older notation c.*497delC).
Molecular consequence: 3 prime UTR variant. On other transcripts: intron variant (2).
Genome position (GRCh38, 1-based): chr21:45,515,161, G deleted on the plus strand (C on the coding strand, the reverse complement: SLC19A1 is on the minus strand). VCF-style (leftmost placement, unchanged base first): chr21-45515160-AG-A. GRCh37 (hg19) VCF-style: chr21-46935074-AG-A.
Other names: c.*497del (NM_001205207.3, NM_001352510.2, NM_001352512.2); c.1294-9del (NM_001352511.3, NM_001205206.4).
Identifiers: ClinVar variation 3049114 (VCV003049114.2), dbSNP rs1250359930, ClinGen allele CA638171639.

ClinVar aggregate classification (germline): Likely benign (0 of 4 stars; one submission).

Conditions:
SLC19A1-related disorder. Also called: SLC19A1-related condition.

Allele frequency attached by ClinVar (database versions not stated): gnomAD exomes below 0.00001; gnomAD 0.00001.

Submission:

PreventionGenetics, part of Exact Sciences
Classification: Likely benign for SLC19A1-related condition. Last evaluated: 2019-12-06. Review status: no assertion criteria provided. Collection method: clinical testing. Allele origin: germline.
Comment: This variant is classified as likely benign based on ACMG/AMP sequence variant interpretation guidelines (Richards et al. 2015 PMID: 25741868, with internal and published modifications).